The following is an entry in ClinVar:

NM_001367561.1(DOCK7):c.940C>A (p.Arg314Ser)

Gene: DOCK7 (dedicator of cytokinesis 7; minus strand). Cytogenetic location: 1p31.3.
Variant type: single nucleotide variant.
Coding change: c.940C>A on transcript NM_001367561.1 (MANE Select); coding-DNA position 940, C replaced by A.
Protein change: p.Arg314Ser; replaces arginine 314 with serine.
Molecular consequence: missense variant.
Genome position (GRCh38, 1-based): chr1:62,634,868, G>T on the plus strand (C>A on the coding strand, the complement: DOCK7 is on the minus strand). VCF-style: chr1-62634868-G-T. GRCh37 (hg19) VCF-style: chr1-63100539-G-T.
Other names: c.940C>A, p.Arg314Ser (NM_001271999.2, NM_001272000.2, NM_001272001.2 and 3 more transcripts); short protein forms R314S.
Identifiers: ClinVar variation 2156033 (VCV002156033.4), dbSNP rs768515222, ClinGen allele CA340622110.

ClinVar aggregate classification (germline): Uncertain significance (1 of 4 stars; one submission).

Conditions:
Developmental and epileptic encephalopathy, 23 (DEE23). Also called: Epileptic encephalopathy, early infantile, 23. Identifiers: Orphanet 411986, MedGen C4014492, MONDO:0014371, OMIM 615859.

Submission:

Labcorp Genetics (formerly Invitae), Labcorp
Classification: Uncertain significance for Developmental and epileptic encephalopathy, 23. Last evaluated: 2022-07-21. Review status: criteria provided, single submitter. Criteria: Invitae Variant Classification Sherloc (09022015). Collection method: clinical testing. Allele origin: germline.
Comment: In summary, the available evidence is currently insufficient to determine the role of this variant in disease. Therefore, it has been classified as a Variant of Uncertain Significance. Algorithms developed to predict the effect of missense changes on protein structure and function (SIFT, PolyPhen-2, Align-GVGD) all suggest that this variant is likely to be tolerated. This variant has not been reported in the literature in individuals affected with DOCK7-related conditions. This variant is not present in population databases (gnomAD no frequency). This sequence change replaces arginine, which is basic and polar, with serine, which is neutral and polar, at codon 314 of the DOCK7 protein (p.Arg314Ser).